The following is an entry in ClinVar:

NM_001164462.2(MUC12):c.14291G>A (p.Gly4764Glu)

Gene: MUC12 (mucin 12, cell surface associated; plus strand). Cytogenetic location: 7q22.1.
Variant type: single nucleotide variant.
Coding change: c.14291G>A on transcript NM_001164462.2 (MANE Select); coding-DNA position 14291, G replaced by A.
Protein change: p.Gly4764Glu; replaces glycine 4764 with glutamic acid.
Molecular consequence: missense variant.
Genome position (GRCh38, 1-based): chr7:101,004,854, G>A. VCF-style: chr7-101004854-G-A. GRCh37 (hg19) VCF-style: chr7-100648135-G-A.
Other names: short protein forms G4764E.
Identifiers: ClinVar variation 2657829 (VCV002657829.24), dbSNP rs765885709, ClinGen allele CA4400478.

ClinVar aggregate classification (germline): Likely benign (1 of 4 stars; one submission).

Allele frequency attached by ClinVar (database versions not stated): gnomAD exomes 0.00001; ExAC 0.00005.
gnomAD v4.1: 10 of 1,536,762 alleles (0.00065%); highest among the groups gnomAD compares: Middle Eastern, 0.13%; no homozygotes.

Submission:

CeGaT Center for Human Genetics Tuebingen
Classification: Likely benign. Last evaluated: 2022-09-01. Review status: criteria provided, single submitter. Criteria: CeGaT Center For Human Genetics Tuebingen Variant Classification Criteria Version 2. Collection method: clinical testing. Allele origin: germline. Affected: yes. Observed: 1 variant allele.
Comment: MUC12: BP4